The following is an entry in ClinVar:

ClinVar aggregate classification (germline): Uncertain significance. Review status: criteria provided, multiple submitters, no conflicts (2 of 4 stars). 3 submissions from 3 submitters: Uncertain significance (3). Last evaluated 2025-03-21.

Conditions:
Gastrointestinal stromal tumor. Also called: Gastrointestinal stroma tumor; Gastrointestinal stromal tumor, somatic. Identifiers: Orphanet 44890, MedGen C0238198, MeSH D046152, MONDO:0011719, OMIM 606764, HP:0100723.
Hereditary cancer-predisposing syndrome. Also called: Tumor predisposition; Hereditary Cancer Syndrome; Hereditary neoplastic syndrome; Neoplastic Syndromes, Hereditary. Identifiers: Orphanet 140162, MedGen C0027672, MeSH D009386, MONDO:0015356.

Submissions (3):

GeneDx
Classification: Uncertain significance. Last evaluated: 2025-03-21. Review status: criteria provided, single submitter. Criteria: GeneDx Variant Classification Process June 2021. Collection method: clinical testing. Allele origin: germline. Affected: yes.
Comment: Not observed at significant frequency in large population cohorts (gnomAD); In silico analysis indicates that this missense variant does not alter protein structure/function; Has not been previously published as pathogenic or benign to our knowledge

Ambry Genetics
Classification: Uncertain significance for Hereditary cancer-predisposing syndrome. Last evaluated: 2024-06-28. Review status: criteria provided, single submitter. Criteria: Ambry Variant Classification Scheme 2023. Collection method: clinical testing. Allele origin: germline.
Comment: The p.V195L variant (also known as c.583G>C), located in coding exon 3 of the KIT gene, results from a G to C substitution at nucleotide position 583. The valine at codon 195 is replaced by leucine, an amino acid with highly similar properties. This amino acid position is conserved. In addition, this alteration is predicted to be tolerated by in silico analysis. Based on the available evidence, the clinical significance of this variant remains unclear.

Labcorp Genetics (formerly Invitae), Labcorp
Classification: Uncertain significance for Gastrointestinal stromal tumor. Last evaluated: 2024-06-19. Review status: criteria provided, single submitter. Criteria: Invitae Variant Classification Sherloc (09022015). Collection method: clinical testing. Allele origin: germline.
Comment: This sequence change replaces valine, which is neutral and non-polar, with leucine, which is neutral and non-polar, at codon 195 of the KIT protein (p.Val195Leu). This variant is not present in population databases (gnomAD no frequency). This variant has not been reported in the literature in individuals affected with KIT-related conditions. ClinVar contains an entry for this variant (Variation ID: 1372132). An algorithm developed to predict the effect of missense changes on protein structure and function (PolyPhen-2) suggests that this variant is likely to be tolerated. In summary, the available evidence is currently insufficient to determine the role of this variant in disease. Therefore, it has been classified as a Variant of Uncertain Significance.

NM_000222.3(KIT):c.583G>C (p.Val195Leu)

Gene: KIT (KIT proto-oncogene, receptor tyrosine kinase; plus strand). Cytogenetic location: 4q12.
Variant type: single nucleotide variant.
Coding change: c.583G>C on transcript NM_000222.3 (MANE Select); coding-DNA position 583, G replaced by C.
Protein change: p.Val195Leu; replaces valine 195 with leucine.
Molecular consequence: missense variant.
Genome position (GRCh38, 1-based): chr4:54,698,529, G>C. VCF-style: chr4-54698529-G-C. GRCh37 (hg19) VCF-style: chr4-55564695-G-C.
Other names: c.583G>C (NM_000222.2); c.583G>C, p.Val195Leu (NM_001093772.2, NM_001385284.1, NM_001385285.1 and 4 more transcripts); short protein forms V195L.
Identifiers: ClinVar variation 1372132 (VCV001372132.7), dbSNP rs2109674553, ClinGen allele CA356898043.
Genomic context (GRCh38, chr4:54,698,529, plus strand): 5'-GTGAAACGCGCCTACCATCGGCTCTGTCTGCATTGTTCTGTGGACCAGGAGGGCAAGTCA[G>C]TGCTGTCGGAAAAATTCATCCTGAAAGTGAGGCCAGGTACTGGCTCTTTCTTATCTGCCT-3'
Protein context (NP_000213.1, residues 185-205): HCSVDQEGKS[Val195Leu]LSEKFILKVR